The following is an entry in ClinVar:

ClinVar aggregate classification (germline): Likely benign. Review status: criteria provided, single submitter (1 of 4 stars). 2 submissions from 2 submitters: Likely benign (1). 1 of the submissions does not count toward it. Last evaluated 2024-10-29.

Conditions:
ELN-related disorder.
Supravalvar aortic stenosis (SVAS). Also called: Supravalvar aortic stenosis, Eisenberg type. Identifiers: Orphanet 3193, MedGen C0003499, MONDO:0008504, OMIM 185500, HP:0004381.

Allele frequency attached by ClinVar (database versions not stated): gnomAD exomes 0.00001.
gnomAD v4.1: 7 of 1,613,598 alleles (0.00043%); highest among the groups gnomAD compares: South Asian, 0.0011%; no homozygotes.

Submissions (2):

Labcorp Genetics (formerly Invitae), Labcorp
Classification: Likely benign for Supravalvar aortic stenosis. Last evaluated: 2024-10-29. Review status: criteria provided, single submitter. Criteria: Invitae Variant Classification Sherloc (09022015). Collection method: clinical testing. Allele origin: germline.

PreventionGenetics, part of Exact Sciences
Classification: Likely benign for ELN-related condition. Last evaluated: 2021-04-27. Review status: no assertion criteria provided. Collection method: clinical testing. Allele origin: germline. Not counted in ClinVar's aggregate classification.
Comment: This variant is classified as likely benign based on ACMG/AMP sequence variant interpretation guidelines (Richards et al. 2015 PMID: 25741868, with internal and published modifications).

NM_000501.4(ELN):c.252A>C (p.Ala84=)

Gene: ELN (elastin; plus strand). Cytogenetic location: 7q11.23.
Variant type: single nucleotide variant.
Coding change: c.252A>C on transcript NM_000501.4 (MANE Select); coding-DNA position 252, A replaced by C.
Protein change: p.Ala84=; no amino-acid change (alanine 84 retained).
Molecular consequence: synonymous variant.
Genome position (GRCh38, 1-based): chr7:74,042,633, A>C. VCF-style: chr7-74042633-A-C. GRCh37 (hg19) VCF-style: chr7-73456963-A-C.
Other names: c.222A>C, p.Ala74= (NM_001081752.3, NM_001278914.2, NM_001278917.2 and 1 more transcripts); c.252A>C, p.Ala84= (NM_001081753.3, NM_001081754.3, NM_001081755.3 and 4 more transcripts); c.216A>C, p.Ala72= (NM_001278913.2).
Identifiers: ClinVar variation 3032025 (VCV003032025.4), dbSNP rs1554669219, ClinGen allele CA455879335.